The following is an entry in ClinVar:

ClinVar aggregate classification (germline): Uncertain significance. Review status: criteria provided, multiple submitters, no conflicts (2 of 4 stars). 3 submissions from 3 submitters: Uncertain significance (3). Last evaluated 2024-09-10.

Conditions:
Inborn genetic diseases. Identifiers: MedGen C0950123, MeSH D030342.
Episodic ataxia type 2 (EA2). Also called: EPISODIC ATAXIA, NYSTAGMUS-ASSOCIATED; ATAXIA, EPISODIC, WITH NYSTAGMUS; ATAXIA, FAMILIAL PAROXYSMAL; CEREBELLAR ATAXIA, PAROXYSMAL, ACETAZOLAMIDE-RESPONSIVE; CEREBELLOPATHY, HEREDITARY PAROXYSMAL; ACETAZOLAMIDE-RESPONSIVE HEREDITARY PAROXYSMAL CEREBELLAR ATAXIA. Identifiers: Orphanet 97, MedGen C1720416, MONDO:0007163, OMIM 108500.
Developmental and epileptic encephalopathy, 42 (DEE42A). Also called: Epileptic encephalopathy, early infantile, 42; DEVELOPMENTAL AND EPILEPTIC ENCEPHALOPATHY 42A; EPILEPTIC ENCEPHALOPATHY, EARLY INFANTILE, 42A. Identifiers: MedGen C4310716, MONDO:0014917, OMIM 617106.
Migraine, familial hemiplegic, 1. Also called: MIGRAINE, FAMILIAL HEMIPLEGIC 1, WITH PROGRESSIVE CEREBELLAR ATAXIA. Identifiers: Orphanet 569, MedGen C1832884, MONDO:0020756, OMIM 141500, MONDO:0007714.
Spinocerebellar ataxia type 6 (SCA6). Identifiers: Orphanet 98758, MedGen C0752124, MONDO:0008457, OMIM 183086.

Allele frequency attached by ClinVar (database versions not stated): gnomAD 0.00001; gnomAD exomes 0.00001; ExAC 0.00002; TOPMed 0.00002.
gnomAD v4.1: 21 of 1,613,676 alleles (0.0013%); highest among the groups gnomAD compares: Admixed American, 0.0033%; no homozygotes.

Submissions (3):

Labcorp Genetics (formerly Invitae), Labcorp
Classification: Uncertain significance for Developmental and epileptic encephalopathy, 42; Episodic ataxia type 2. Last evaluated: 2024-09-10. Review status: criteria provided, single submitter. Criteria: Invitae Variant Classification Sherloc (09022015). Collection method: clinical testing. Allele origin: germline.
Comment: This sequence change replaces arginine, which is basic and polar, with histidine, which is basic and polar, at codon 1558 of the CACNA1A protein (p.Arg1558His). This variant is present in population databases (rs755172189, gnomAD 0.003%). This variant has not been reported in the literature in individuals affected with CACNA1A-related conditions. ClinVar contains an entry for this variant (Variation ID: 542832). Invitae Evidence Modeling of protein sequence and biophysical properties (such as structural, functional, and spatial information, amino acid conservation, physicochemical variation, residue mobility, and thermodynamic stability) has been performed for this missense variant. However, the output from this modeling did not meet the statistical confidence thresholds required to predict the impact of this variant on CACNA1A protein function. In summary, the available evidence is currently insufficient to determine the role of this variant in disease. Therefore, it has been classified as a Variant of Uncertain Significance.

Fulgent Genetics
Classification: Uncertain significance for Episodic ataxia type 2; Migraine, familial hemiplegic, 1; Spinocerebellar ataxia type 6; Developmental and epileptic encephalopathy, 42. Last evaluated: 2022-01-05. Review status: criteria provided, single submitter. Criteria: ACMG Guidelines, 2015. Collection method: clinical testing. Allele origin: unknown.

Ambry Genetics
Classification: Uncertain significance for Inborn genetic diseases. Last evaluated: 2019-01-31. Review status: criteria provided, single submitter. Criteria: Ambry Variant Classification Scheme 2023. Collection method: clinical testing. Allele origin: germline.
Comment: The p.R1558H variant (also known as c.4673G>A), located in coding exon 29 of the CACNA1A gene, results from a G to A substitution at nucleotide position 4673. The arginine at codon 1558 is replaced by histidine, an amino acid with highly similar properties. This amino acid position is highly conserved in available vertebrate species. In addition, the in silico prediction for this alteration is inconclusive. Since supporting evidence is limited at this time, the clinical significance of this variant remains unclear.

NM_001127222.2(CACNA1A):c.4670G>A (p.Arg1557His)

Gene: CACNA1A (calcium voltage-gated channel subunit alpha1 A; minus strand). Cytogenetic location: 19p13.13.
Variant type: single nucleotide variant.
Coding change: c.4670G>A on transcript NM_001127222.2 (MANE Select); coding-DNA position 4670, G replaced by A.
Protein change: p.Arg1557His; replaces arginine 1557 with histidine.
Molecular consequence: missense variant.
Genome position (GRCh38, 1-based): chr19:13,255,180, C>T on the plus strand (G>A on the coding strand, the complement: CACNA1A is on the minus strand). VCF-style: chr19-13255180-C-T. GRCh37 (hg19) VCF-style: chr19-13365994-C-T.
Other names: c.4682G>A, p.Arg1561His (NM_000068.4, NM_023035.3); c.4673G>A, p.Arg1558His (NM_001127221.2, NM_001174080.2); short protein forms R1558H, R1561H, R1557H.
Identifiers: ClinVar variation 542832 (VCV000542832.16), dbSNP rs755172189, ClinGen allele CA9239967.